The following is an entry in ClinVar:

NM_006073.4(TRDN):c.842A>T (p.Asp281Val)

Gene: TRDN (triadin; minus strand). Cytogenetic location: 6q22.31.
Variant type: single nucleotide variant.
Coding change: c.842A>T on transcript NM_006073.4 (MANE Select); coding-DNA position 842, A replaced by T.
Protein change: p.Asp281Val; replaces aspartic acid 281 with valine.
Molecular consequence: missense variant. On other transcripts: intron variant (1).
Genome position (GRCh38, 1-based): chr6:123,497,204, T>A on the plus strand (A>T on the coding strand, the complement: TRDN is on the minus strand). VCF-style: chr6-123497204-T-A. GRCh37 (hg19) VCF-style: chr6-123818349-T-A.
Other names: c.842A>T, p.Asp281Val (NM_001251987.2); c.793+6515A>T (NM_001256020.2); short protein forms D281V.
Identifiers: ClinVar variation 2164787 (VCV002164787.1), dbSNP rs1286724036, ClinGen allele CA365567258.

ClinVar aggregate classification (germline): Uncertain significance (1 of 4 stars; one submission).

Conditions:
Catecholaminergic polymorphic ventricular tachycardia 1. Also called: VENTRICULAR TACHYCARDIA, STRESS-INDUCED POLYMORPHIC 1; RYR2-Related Catecholaminergic Polymorphic Ventricular Tachycardia; VENTRICULAR TACHYCARDIA, CATECHOLAMINERGIC POLYMORPHIC, 1, WITH OR WITHOUT ATRIAL DYSFUNCTION AND/OR DILATED CARDIOMYOPATHY. Identifiers: Orphanet 3286, MedGen C1631597, MONDO:0011484, OMIM 604772.

Allele frequency attached by ClinVar (database versions not stated): gnomAD exomes below 0.00001; gnomAD 0.00001; TOPMed 0.00001.
gnomAD v4.1: 3 of 1,554,726 alleles (0.00019%); highest among the groups gnomAD compares: Admixed American, 0.006%; no homozygotes.

Submission:

Labcorp Genetics (formerly Invitae), Labcorp
Classification: Uncertain significance for Catecholaminergic polymorphic ventricular tachycardia 1. Last evaluated: 2022-01-16. Review status: criteria provided, single submitter. Criteria: Invitae Variant Classification Sherloc (09022015). Collection method: clinical testing. Allele origin: germline.
Comment: This sequence change replaces aspartic acid, which is acidic and polar, with valine, which is neutral and non-polar, at codon 281 of the TRDN protein (p.Asp281Val). The frequency data for this variant in the population databases is considered unreliable, as metrics indicate poor data quality at this position in the gnomAD database. This variant has not been reported in the literature in individuals affected with TRDN-related conditions. Algorithms developed to predict the effect of missense changes on protein structure and function (SIFT, PolyPhen-2, Align-GVGD) all suggest that this variant is likely to be disruptive. In summary, the available evidence is currently insufficient to determine the role of this variant in disease. Therefore, it has been classified as a Variant of Uncertain Significance.